The following is an entry in ClinVar:

NM_001145809.2(MYH14):c.1655C>T (p.Pro552Leu)

Gene: MYH14 (myosin heavy chain 14; plus strand). Cytogenetic location: 19q13.33.
Variant type: single nucleotide variant.
Coding change: c.1655C>T on transcript NM_001145809.2 (MANE Select); coding-DNA position 1655, C replaced by T.
Protein change: p.Pro552Leu; replaces proline 552 with leucine.
Molecular consequence: missense variant.
Genome position (GRCh38, 1-based): chr19:50,249,822, C>T. VCF-style: chr19-50249822-C-T. GRCh37 (hg19) VCF-style: chr19-50753079-C-T.
Other names: c.1655C>T, p.Pro552Leu (NM_001077186.2); c.1631C>T, p.Pro544Leu (NM_024729.4); short protein forms P552L, P544L.
Identifiers: ClinVar variation 180008 (VCV000180008.47), dbSNP rs727505282, ClinGen allele CA185627.

ClinVar aggregate classification (germline): Uncertain significance. Review status: criteria provided, multiple submitters, no conflicts (2 of 4 stars). 6 submissions from 6 submitters: Uncertain significance (6). Last evaluated 2025-12-17.

Conditions:
MYH14-related disorder. Also called: MYH14-related condition.
Inborn genetic diseases. Identifiers: MedGen C0950123, MeSH D030342.

Allele frequency attached by ClinVar (database versions not stated): gnomAD 0.00003; TOPMed 0.00005.

Submissions (6):

Ambry Genetics
Classification: Uncertain significance for Inborn genetic diseases. Last evaluated: 2025-12-17. Review status: criteria provided, single submitter. Criteria: Ambry Variant Classification Scheme 2023. Collection method: clinical testing. Allele origin: germline.

PreventionGenetics, part of Exact Sciences
Classification: Uncertain significance for MYH14-related condition. Last evaluated: 2025-02-06. Review status: criteria provided, single submitter. Criteria: ACMG Guidelines, 2015. Collection method: clinical testing. Allele origin: germline.
Comment: The MYH14 c.1655C>T variant is predicted to result in the amino acid substitution p.Pro552Leu. To our knowledge, this variant has not been reported in the literature. This variant is reported in 0.0040% of alleles in individuals of African descent in gnomAD. At this time, the clinical significance of this variant is uncertain due to the absence of conclusive functional and genetic evidence.

GeneDx
Classification: Uncertain significance. Last evaluated: 2022-02-15. Review status: criteria provided, single submitter. Criteria: GeneDx Variant Classification Process June 2021. Collection method: clinical testing. Allele origin: germline. Affected: yes.
Comment: In silico analysis supports that this missense variant has a deleterious effect on protein structure/function; Has not been previously published as pathogenic or benign to our knowledge

CeGaT Center for Human Genetics Tuebingen
Classification: Uncertain significance. Last evaluated: 2021-10-01. Review status: criteria provided, single submitter. Criteria: CeGaT Center For Human Genetics Tuebingen Variant Classification Criteria Version 2. Collection method: clinical testing. Allele origin: germline. Affected: yes. Observed: 1 variant allele.

Labcorp Genetics (formerly Invitae), Labcorp
Classification: Uncertain significance. Last evaluated: 2021-08-23. Review status: criteria provided, single submitter. Criteria: Invitae Variant Classification Sherloc (09022015). Collection method: clinical testing. Allele origin: germline.
Comment: This sequence change replaces proline with leucine at codon 544 of the MYH14 protein (p.Pro544Leu). The proline residue is highly conserved and there is a moderate physicochemical difference between proline and leucine. This variant is present in population databases (rs727505282, ExAC 0.01%). This missense change has been observed in individual(s) with clinical features of MYH14-related conditions (Invitae). ClinVar contains an entry for this variant (Variation ID: 180008). Algorithms developed to predict the effect of missense changes on protein structure and function (SIFT, PolyPhen-2, Align-GVGD) all suggest that this variant is likely to be disruptive. In summary, the available evidence is currently insufficient to determine the role of this variant in disease. Therefore, it has been classified as a Variant of Uncertain Significance.

Laboratory for Molecular Medicine, Mass General Brigham Personalized Medicine
Classification: Uncertain significance. Last evaluated: 2014-10-02. Review status: criteria provided, single submitter. Criteria: LMM Criteria. Collection method: clinical testing. Allele origin: germline. Observed: 1 variant allele.
Comment: The Pro552Leu variant in MYH14 gene has not been previously reported in individu als with hearing loss and was absent from large population studies. Computationa l prediction tools and conservation analysis suggest that this variant may impac t the protein; though this information is not predictive enough to determine pat hogenicity. The variant is located in the last three bases of the exon, which is part of the 5? splice region. Computational tools do not suggest an impact to s plicing; however, this data is not predictive enough to rule out pathogenicity. In summary, the clinical significance of the Pro552Leu variant is uncertain.